The following is an entry in ClinVar:

ClinVar aggregate classification (germline): Uncertain significance. Review status: criteria provided, multiple submitters, no conflicts (2 of 4 stars). 3 submissions from 3 submitters: Uncertain significance (3). Last evaluated 2024-12-04.

Conditions:
Inborn genetic diseases. Identifiers: MedGen C0950123, MeSH D030342.
Hereditary sensory and autonomic neuropathy type 6. Also called: Neuropathy, hereditary sensory and autonomic, type VI; HSAN VI. Identifiers: Orphanet 314381, MedGen C3539003, MONDO:0013839, OMIM 614653.
Epidermolysis bullosa simplex 3, localized or generalized intermediate, with BP230 deficiency (EBS3). Also called: Epidermolysis bullosa simplex, autosomal recessive 2; Epidermolysis bullosa simplex due to BP230 deficiency. Identifiers: Orphanet 412181, MedGen C3809470, MONDO:0014180, OMIM 615425.

Allele frequency attached by ClinVar (database versions not stated): ESP Exome Variant Server 0.00008; TOPMed 0.00009; ExAC 0.00019.
gnomAD v4.1: 252 of 1,613,394 alleles (0.016%); highest among the groups gnomAD compares: Non-Finnish European, 0.02%; 2 homozygotes.

Submissions (3):

Mayo Clinic Laboratories, Mayo Clinic
Classification: Uncertain significance. Last evaluated: 2024-12-04. Review status: criteria provided, single submitter. Criteria: ACMG Guidelines, 2015. Collection method: clinical testing. Allele origin: germline. Observed: 4 variant alleles.
Comment: BP4

Ambry Genetics
Classification: Uncertain significance for Inborn genetic diseases. Last evaluated: 2022-09-02. Review status: criteria provided, single submitter. Criteria: Ambry Variant Classification Scheme 2023. Collection method: clinical testing. Allele origin: germline.
Comment: The p.R5051Q variant (also known as c.15152G>A), located in coding exon 84 of the DST gene, results from a G to A substitution at nucleotide position 15152. The arginine at codon 5051 is replaced by glutamine, an amino acid with highly similar properties. This amino acid position is well conserved in available vertebrate species. In addition, this alteration is predicted to be tolerated by in silico analysis. Since supporting evidence is limited at this time, the clinical significance of this alteration remains unclear.

Labcorp Genetics (formerly Invitae), Labcorp
Classification: Uncertain significance for Epidermolysis bullosa simplex 3, localized or generalized intermediate, with BP230 deficiency; Hereditary sensory and autonomic neuropathy type 6. Last evaluated: 2022-09-01. Review status: criteria provided, single submitter. Criteria: Invitae Variant Classification Sherloc (09022015). Collection method: clinical testing. Allele origin: germline.
Comment: The DST gene has multiple clinically relevant transcripts. This variant occurs in alternate transcript NM_015548.4, and corresponds to NM_001723.5:c.*133445G>A in the primary transcript This sequence change replaces arginine, which is basic and polar, with glutamine, which is neutral and polar, at codon 4547 of the DST protein (p.Arg4547Gln). This variant is present in population databases (rs201690182, gnomAD 0.02%). This variant has not been reported in the literature in individuals affected with DST-related conditions. ClinVar contains an entry for this variant (Variation ID: 968433). Experimental studies and prediction algorithms are not available or were not evaluated, and the functional significance of this variant is currently unknown. In summary, the available evidence is currently insufficient to determine the role of this variant in disease. Therefore, it has been classified as a Variant of Uncertain Significance.

NM_001374736.1(DST):c.21509G>A (p.Arg7170Gln)

Gene: DST (dystonin; minus strand). Cytogenetic location: 6p12.1.
Variant type: single nucleotide variant.
Coding change: c.21509G>A on transcript NM_001374736.1 (MANE Select); coding-DNA position 21509, G replaced by A.
Protein change: p.Arg7170Gln; replaces arginine 7170 with glutamine.
Molecular consequence: missense variant.
Genome position (GRCh38, 1-based): chr6:56,482,072, C>T on the plus strand (G>A on the coding strand, the complement: DST is on the minus strand). VCF-style: chr6-56482072-C-T. GRCh37 (hg19) VCF-style: chr6-56346870-C-T.
Other names: p.Arg4547Gln; c.15152G>A, p.Arg5051Gln (NM_001144769.5); c.14738G>A, p.Arg4913Gln (NM_001144770.2); c.21509G>A, p.Arg7170Gln (NM_001374722.1); c.20549G>A, p.Arg6850Gln (NM_001374729.1); c.14291G>A, p.Arg4764Gln (NM_001374730.1); c.21536G>A, p.Arg7179Gln (NM_001374734.1); c.13640G>A, p.Arg4547Gln (NM_015548.5); and 1 more; short protein forms R4873Q, R6850Q, R7179Q, R4764Q, R4913Q, R5051Q, R4547Q, R7170Q.
Identifiers: ClinVar variation 968433 (VCV000968433.9), dbSNP rs201690182, ClinGen allele CA3866457.